The following is an entry in ClinVar:

ClinVar aggregate classification (germline): Uncertain significance (1 of 4 stars; one submission).

Conditions:
Multiple gastrointestinal atresias. Also called: Multiple intestinal atresia; FAMILIAL INTESTINAL POLYATRESIA SYNDROME. Identifiers: Orphanet 2300, MedGen C0220744, MONDO:0009465.

Allele frequency attached by ClinVar (database versions not stated): gnomAD exomes below 0.00001.
gnomAD v4.1: 1 of 1,609,608 alleles (0.000062%); highest among the groups gnomAD compares: Non-Finnish European, 0.000085%; no homozygotes.

Submission:

Labcorp Genetics (formerly Invitae), Labcorp
Classification: Uncertain significance for Multiple gastrointestinal atresias. Last evaluated: 2025-01-27. Review status: criteria provided, single submitter. Criteria: Invitae Variant Classification Sherloc (09022015). Collection method: clinical testing. Allele origin: germline.
Comment: This sequence change replaces leucine, which is neutral and non-polar, with methionine, which is neutral and non-polar, at codon 715 of the TTC7A protein (p.Leu715Met). The frequency data for this variant in the population databases is considered unreliable, as metrics indicate poor data quality at this position in the gnomAD database. This variant has not been reported in the literature in individuals affected with TTC7A-related conditions. ClinVar contains an entry for this variant (Variation ID: 861893). Invitae Evidence Modeling of protein sequence and biophysical properties (such as structural, functional, and spatial information, amino acid conservation, physicochemical variation, residue mobility, and thermodynamic stability) indicates that this missense variant is expected to disrupt TTC7A protein function with a positive predictive value of 80%. In summary, the available evidence is currently insufficient to determine the role of this variant in disease. Therefore, it has been classified as a Variant of Uncertain Significance.

NM_020458.4(TTC7A):c.2143C>A (p.Leu715Met)

Gene: TTC7A (tetratricopeptide repeat domain 7A; plus strand). Cytogenetic location: 2p21.
Variant type: single nucleotide variant.
Coding change: c.2143C>A on transcript NM_020458.4 (MANE Select); coding-DNA position 2143, C replaced by A.
Protein change: p.Leu715Met; replaces leucine 715 with methionine.
Molecular consequence: missense variant.
Genome position (GRCh38, 1-based): chr2:47,051,871, C>A. VCF-style: chr2-47051871-C-A. GRCh37 (hg19) VCF-style: chr2-47279010-C-A.
Other names: c.2215C>A, p.Leu739Met (NM_001288951.2); c.2041C>A, p.Leu681Met (NM_001288953.2); c.1081C>A, p.Leu361Met (NM_001288955.2); short protein forms L361M, L715M, L739M, L681M.
Identifiers: ClinVar variation 861893 (VCV000861893.10), dbSNP rs1361238141, ClinGen allele CA346713880.
Genomic context (GRCh38, chr2:47,051,871, plus strand): 5'-CCCTCTTCGGTCCTGAAGCAGGGCCCCATGCAGCTGTGGACCACGCTGGAACAGATCTGG[C>A]TGCAGGCTGGTGAGTGCCCTGGTCCCAGTGACACACACAGCCTGTCTGCAGGCCACCCAT-3'
Protein context (NP_065191.2, residues 705-725): QLWTTLEQIW[Leu715Met]QAAELFMEQQ